The following is an entry in ClinVar:

NM_006019.4(TCIRG1):c.1438G>A (p.Ala480Thr)

Gene: TCIRG1 (T cell immune regulator 1, ATPase H+ transporting V0 subunit a3; plus strand). Cytogenetic location: 11q13.2.
Variant type: single nucleotide variant.
Coding change: c.1438G>A on transcript NM_006019.4 (MANE Select); coding-DNA position 1438, G replaced by A.
Protein change: p.Ala480Thr; replaces alanine 480 with threonine.
Molecular consequence: missense variant.
Genome position (GRCh38, 1-based): chr11:68,047,779, G>A. VCF-style: chr11-68047779-G-A. GRCh37 (hg19) VCF-style: chr11-67815246-G-A.
Other names: c.544G>A, p.Ala182Thr (NM_001351059.2); c.790G>A, p.Ala264Thr (NM_006053.4); short protein forms A182T, A264T, A480T.
Identifiers: ClinVar variation 1439289 (VCV001439289.6), dbSNP rs537359796, ClinGen allele CA6147109.

ClinVar aggregate classification (germline): Uncertain significance. Review status: criteria provided, multiple submitters, no conflicts (2 of 4 stars). 2 submissions from 2 submitters: Uncertain significance (2). Last evaluated 2024-05-23.

Conditions:
Autosomal recessive osteopetrosis 1. Also called: ALBERS-SCHONBERG DISEASE, AUTOSOMAL RECESSIVE; TCIRG1-Related Osteopetrosis; TCIRG1-Related Autosomal Recessive Osteopetrosis. Identifiers: Orphanet 667, MedGen C1850127, MONDO:0009815, OMIM 259700.

Allele frequency attached by ClinVar (database versions not stated): ExAC 0.00002; TOPMed 0.00002; gnomAD 0.00003; gnomAD exomes 0.00003 and 0.00004; 1000 Genomes Project 30x 0.00016; 1000 Genomes Project 0.00020.
gnomAD v4.1: 43 of 1,613,024 alleles (0.0027%); highest among the groups gnomAD compares: Admixed American, 0.017%; no homozygotes.

Submissions (2):

Labcorp Genetics (formerly Invitae), Labcorp
Classification: Uncertain significance. Last evaluated: 2024-05-23. Review status: criteria provided, single submitter. Criteria: Invitae Variant Classification Sherloc (09022015). Collection method: clinical testing. Allele origin: germline.
Comment: This sequence change replaces alanine, which is neutral and non-polar, with threonine, which is neutral and polar, at codon 480 of the TCIRG1 protein (p.Ala480Thr). This variant is present in population databases (rs537359796, gnomAD 0.02%). This variant has not been reported in the literature in individuals affected with TCIRG1-related conditions. ClinVar contains an entry for this variant (Variation ID: 1439289). Advanced modeling of protein sequence and biophysical properties (such as structural, functional, and spatial information, amino acid conservation, physicochemical variation, residue mobility, and thermodynamic stability) performed at Invitae indicates that this missense variant is not expected to disrupt TCIRG1 protein function with a negative predictive value of 80%. In summary, the available evidence is currently insufficient to determine the role of this variant in disease. Therefore, it has been classified as a Variant of Uncertain Significance.

Fulgent Genetics
Classification: Uncertain significance for Autosomal recessive osteopetrosis 1. Last evaluated: 2022-05-12. Review status: criteria provided, single submitter. Criteria: ACMG Guidelines, 2015. Collection method: clinical testing. Allele origin: unknown.